The following is an entry in ClinVar:

NM_001378120.1(MBD5):c.1890G>T (p.Met630Ile)

Gene: MBD5 (methyl-CpG binding domain protein 5; plus strand). Cytogenetic location: 2q23.1.
Variant type: single nucleotide variant.
Coding change: c.1890G>T on transcript NM_001378120.1 (MANE Select); coding-DNA position 1890, G replaced by T.
Protein change: p.Met630Ile; replaces methionine 630 with isoleucine.
Molecular consequence: missense variant.
Genome position (GRCh38, 1-based): chr2:148,469,833, G>T. VCF-style: chr2-148469833-G-T. GRCh37 (hg19) VCF-style: chr2-149227402-G-T.
Other names: c.1890G>T, p.Met630Ile (NM_018328.5); short protein forms M630I.
Identifiers: ClinVar variation 938313 (VCV000938313.10), dbSNP rs1475773218, ClinGen allele CA348720664.

ClinVar aggregate classification (germline): Uncertain significance (1 of 4 stars; one submission).

Conditions:
Intellectual developmental disorder, autosomal dominant 1. Also called: Intellectual disability, autosomal dominant 1; MBD5 Haploinsufficiency. Identifiers: Orphanet 228402, MedGen C1969562, MONDO:0007974, OMIM 156200.

Allele frequency attached by ClinVar (database versions not stated): TOPMed below 0.00001; gnomAD exomes below 0.00001.
gnomAD v4.1: 2 of 1,613,906 alleles (0.00012%); highest among the groups gnomAD compares: Admixed American, 0.0017%; no homozygotes.

Submission:

Labcorp Genetics (formerly Invitae), Labcorp
Classification: Uncertain significance for Intellectual developmental disorder, autosomal dominant 1. Last evaluated: 2020-08-31. Review status: criteria provided, single submitter. Criteria: Invitae Variant Classification Sherloc (09022015). Collection method: clinical testing. Allele origin: germline.
Comment: This sequence change replaces methionine with isoleucine at codon 630 of the MBD5 protein (p.Met630Ile). The methionine residue is highly conserved and there is a small physicochemical difference between methionine and isoleucine. This variant is not present in population databases (ExAC no frequency). This variant has not been reported in the literature in individuals with MBD5-related conditions. Algorithms developed to predict the effect of missense changes on protein structure and function (SIFT, PolyPhen-2, Align-GVGD) all suggest that this variant is likely to be tolerated, but these predictions have not been confirmed by published functional studies and their clinical significance is uncertain. In summary, the available evidence is currently insufficient to determine the role of this variant in disease. Therefore, it has been classified as a Variant of Uncertain Significance.